The following is an entry in ClinVar:

ClinVar aggregate classification (germline): Uncertain significance (1 of 4 stars; one submission).

Conditions:
Progressive myoclonic epilepsy. Also called: Familial progressive myoclonic epilepsy; Myoclonus epilepsy; Progressive myoclonus epilepsy; Myoclonic Epilepsies, Progressive. Identifiers: Orphanet 308, Orphanet 98261, MedGen C0751778, MONDO:0020074.

Submission:

Labcorp Genetics (formerly Invitae), Labcorp
Classification: Uncertain significance for Progressive myoclonic epilepsy. Last evaluated: 2021-08-28. Review status: criteria provided, single submitter. Criteria: Invitae Variant Classification Sherloc (09022015). Collection method: clinical testing. Allele origin: germline.
Comment: This sequence change replaces asparagine with lysine at codon 86 of the GOSR2 protein (p.Asn86Lys). The asparagine residue is highly conserved and there is a moderate physicochemical difference between asparagine and lysine. This variant is not present in population databases (ExAC no frequency). This variant has not been reported in the literature in individuals affected with GOSR2-related conditions. Algorithms developed to predict the effect of missense changes on protein structure and function are either unavailable or do not agree on the potential impact of this missense change (SIFT: "Tolerated"; PolyPhen-2: "Probably Damaging"; Align-GVGD: "Class C0"). In summary, the available evidence is currently insufficient to determine the role of this variant in disease. Therefore, it has been classified as a Variant of Uncertain Significance.

NM_004287.5(GOSR2):c.258C>G (p.Asn86Lys)

Genes: GOSR2 (golgi SNAP receptor complex member 2; plus strand), LRRC37A2 (leucine rich repeat containing 37 member A2), LOC126862578 (BRD4-independent group 4 enhancer GRCh37_chr17:45008344-45009543; plus strand). Cytogenetic location: 17q21.32.
Variant type: single nucleotide variant.
Coding change: c.258C>G on transcript NM_004287.5 (MANE Select); coding-DNA position 258, C replaced by G.
Protein change: p.Asn86Lys; replaces asparagine 86 with lysine.
Molecular consequence: missense variant. On other transcripts: non-coding transcript variant (3).
Genome position (GRCh38, 1-based): chr17:46,932,121, C>G. VCF-style: chr17-46932121-C-G. GRCh37 (hg19) VCF-style: chr17-45009487-C-G.
Other names: c.258C>G, p.Asn86Lys (NM_001012511.3, NM_001321133.2, NM_001330252.2 and 1 more transcripts); c.204C>G, p.Asn68Lys (NM_001321134.2, NM_001363851.2); c.255C>G, p.Asn85Lys (NM_001353114.2, NM_001353115.2, NM_001353116.2); short protein forms N85K, N68K, N86K.
Identifiers: ClinVar variation 652308 (VCV000652308.6), dbSNP rs1598988935, ClinGen allele CA400016964.